The following is an entry in ClinVar:

ClinVar aggregate classification (germline): Pathogenic (1 of 4 stars; one submission).

Conditions:
Cerebral cavernous malformation 2. Also called: Familial Cerebral Cavernous Malformation 2. Identifiers: Orphanet 221061, MedGen C1864041, MONDO:0011304, OMIM 603284.

Submission:

Labcorp Genetics (formerly Invitae), Labcorp
Classification: Pathogenic for Cerebral cavernous malformation 2. Last evaluated: 2022-10-27. Review status: criteria provided, single submitter. Criteria: Invitae Variant Classification Sherloc (09022015). Collection method: clinical testing. Allele origin: germline.
Comment: This variant is a gross deletion of the genomic region encompassing exon(s) 2-10 of the CCM2 gene, which includes the termination codon. This deletion extends beyond the assayed region for this gene and therefore may encompass additional genes. While this deletion is not anticipated to lead to nonsense mediated decay, it is expected to alter mRNA translation or result in a truncated protein product. A similar copy number variant has been observed in individual(s) with cerebral cavernous malformations (PMID: 17160895). It has also been observed to segregate with disease in related individuals. For these reasons, this variant has been classified as Pathogenic.

Literature cited by the submitters: PubMed 17160895.

NC_000007.13:g.(?_45077832)_(45115674_?)del

Gene: CCM2 (CCM2 scaffold protein; plus strand). Cytogenetic location: 7p13.
Variant type: Deletion.
Identifiers: ClinVar variation 2426974 (VCV002426974.3).